The following is an entry in ClinVar:

NM_001372078.1(REV3L):c.5295G>A (p.Gln1765=)

Gene: REV3L (REV3 like, DNA directed polymerase zeta catalytic subunit; minus strand). Cytogenetic location: 6q21.
Variant type: single nucleotide variant.
Coding change: c.5295G>A on transcript NM_001372078.1 (MANE Select); coding-DNA position 5295, G replaced by A.
Protein change: p.Gln1765=; no amino-acid change (glutamine 1765 retained).
Molecular consequence: synonymous variant.
Genome position (GRCh38, 1-based): chr6:111,373,060, C>T on the plus strand (G>A on the coding strand, the complement: REV3L is on the minus strand). VCF-style: chr6-111373060-C-T. GRCh37 (hg19) VCF-style: chr6-111694263-C-T.
Other names: c.5061G>A, p.Gln1687= (NM_001286431.2, NM_001286432.2); c.5295G>A, p.Gln1765= (NM_002912.5).
Identifiers: ClinVar variation 749393 (VCV000749393.5), dbSNP rs371049927, ClinGen allele CA3961880.

ClinVar aggregate classification (germline): Benign. Review status: criteria provided, single submitter (1 of 4 stars). 2 submissions from 2 submitters: Benign (1). 1 of the submissions does not count toward it. Last evaluated 2018-11-19.

Conditions:
REV3L-related disorder. Also called: REV3L-related condition.

Allele frequency attached by ClinVar (database versions not stated): gnomAD 0.00001 and 0.00047; TOPMed 0.00012; gnomAD exomes 0.00179; ExAC 0.00194; 1000 Genomes Project 30x 0.00344; 1000 Genomes Project 0.00379.
gnomAD v4.1: 1,320 of 1,614,140 alleles (0.082%); highest among the groups gnomAD compares: South Asian, 1.3%; 23 homozygotes.

Submissions (2):

Labcorp Genetics (formerly Invitae), Labcorp
Classification: Benign. Last evaluated: 2018-11-19. Review status: criteria provided, single submitter. Criteria: Invitae Variant Classification Sherloc (09022015). Collection method: clinical testing. Allele origin: germline.

PreventionGenetics, part of Exact Sciences
Classification: Benign for REV3L-related condition. Last evaluated: 2019-05-16. Review status: no assertion criteria provided. Collection method: clinical testing. Allele origin: germline. Not counted in ClinVar's aggregate classification.
Comment: This variant is classified as benign based on ACMG/AMP sequence variant interpretation guidelines (Richards et al. 2015 PMID: 25741868, with internal and published modifications).